The following is an entry in ClinVar:

ClinVar aggregate classification (germline): Conflicting classifications of pathogenicity. Review status: criteria provided, conflicting classifications (1 of 4 stars). 2 submissions from 2 submitters: Uncertain significance (1); Likely benign (1). Last evaluated 2025-05-17.

Conditions:
Inborn genetic diseases. Identifiers: MedGen C0950123, MeSH D030342.
Baller-Gerold syndrome (BGS). Also called: CRANIOSYNOSTOSIS WITH RADIAL DEFECTS. Identifiers: Orphanet 1225, MedGen C0265308, MONDO:0009039, OMIM 218600.

Allele frequency attached by ClinVar (database versions not stated): gnomAD exomes below 0.00001; ExAC 0.00001.
gnomAD v4.1: 2 of 1,612,678 alleles (0.00012%); highest among the groups gnomAD compares: Non-Finnish European, 0.00017%; no homozygotes.

Submissions (2):

Ambry Genetics
Classification: Likely benign for Inborn genetic diseases. Last evaluated: 2025-05-17. Review status: criteria provided, single submitter. Criteria: Ambry Variant Classification Scheme 2023. Collection method: clinical testing. Allele origin: germline.

Labcorp Genetics (formerly Invitae), Labcorp
Classification: Uncertain significance for Baller-Gerold syndrome. Last evaluated: 2022-10-27. Review status: criteria provided, single submitter. Criteria: Invitae Variant Classification Sherloc (09022015). Collection method: clinical testing. Allele origin: germline.
Comment: In summary, the available evidence is currently insufficient to determine the role of this variant in disease. Therefore, it has been classified as a Variant of Uncertain Significance. Advanced modeling of protein sequence and biophysical properties (such as structural, functional, and spatial information, amino acid conservation, physicochemical variation, residue mobility, and thermodynamic stability) performed at Invitae indicates that this missense variant is not expected to disrupt RECQL4 protein function. This variant has not been reported in the literature in individuals affected with RECQL4-related conditions. This variant is present in population databases (rs780968378, gnomAD 0.0009%). This sequence change replaces leucine, which is neutral and non-polar, with proline, which is neutral and non-polar, at codon 345 of the RECQL4 protein (p.Leu345Pro).

NM_004260.4(RECQL4):c.1034T>C (p.Leu345Pro)

Gene: RECQL4 (RecQ like helicase 4; minus strand). Cytogenetic location: 8q24.3.
Variant type: single nucleotide variant.
Coding change: c.1034T>C on transcript NM_004260.4 (MANE Select); coding-DNA position 1034, T replaced by C.
Protein change: p.Leu345Pro; replaces leucine 345 with proline.
Molecular consequence: missense variant.
Genome position (GRCh38, 1-based): chr8:144,516,085, A>G on the plus strand (T>C on the coding strand, the complement: RECQL4 is on the minus strand). VCF-style: chr8-144516085-A-G. GRCh37 (hg19) VCF-style: chr8-145741469-A-G.
Other names: c.1034T>C (NM_004260.3); c.1034T>C, p.Leu345Pro (NM_001413018.1, NM_001413019.1, NM_001413033.1 and 2 more transcripts); c.-38T>C (NM_001413021.1, NM_001413022.1, NM_001413023.1 and 7 more transcripts); c.905T>C, p.Leu302Pro (NM_001413025.1); c.-100T>C (NM_001413027.1, NM_001413030.1, NM_001413031.1 and 2 more transcripts); c.683T>C, p.Leu228Pro (NM_001413029.1); c.-307T>C (NM_001413043.1); short protein forms L345P, L228P, L302P.
Identifiers: ClinVar variation 1938308 (VCV001938308.6), dbSNP rs780968378, ClinGen allele CA4949106.